The following is an entry in ClinVar:

NM_007055.4(POLR3A):c.929G>A (p.Trp310Ter)

Gene: POLR3A (RNA polymerase III subunit A; minus strand). Cytogenetic location: 10q22.3.
Variant type: single nucleotide variant.
Coding change: c.929G>A on transcript NM_007055.4 (MANE Select); coding-DNA position 929, G replaced by A.
Protein change: p.Trp310Ter; replaces tryptophan 310 with a stop codon.
Molecular consequence: nonsense.
Genome position (GRCh38, 1-based): chr10:78,021,979, C>T on the plus strand (G>A on the coding strand, the complement: POLR3A is on the minus strand). VCF-style: chr10-78021979-C-T. GRCh37 (hg19) VCF-style: chr10-79781737-C-T.
Other names: short protein forms W310*.
Identifiers: ClinVar variation 4702811 (VCV004702811.1), dbSNP rs1847584312.

ClinVar aggregate classification (germline): Pathogenic (1 of 4 stars; one submission).

Submission:

Labcorp Genetics (formerly Invitae), Labcorp
Classification: Pathogenic. Last evaluated: 2025-08-17. Review status: criteria provided, single submitter. Criteria: Invitae Variant Classification Sherloc (09022015). Collection method: clinical testing. Allele origin: germline.
Comment: This sequence change creates a premature translational stop signal (p.Trp310*) in the POLR3A gene. It is expected to result in an absent or disrupted protein product. Loss-of-function variants in POLR3A are known to be pathogenic (PMID: 21855841, 25339210, 27612211, 30414627, 30450527). This variant is not present in population databases (gnomAD no frequency). This variant has not been reported in the literature in individuals affected with POLR3A-related conditions. For these reasons, this variant has been classified as Pathogenic.

Literature cited by the submitters: PubMed 21855841; PubMed 25339210; PubMed 27612211; PubMed 30414627; PubMed 30450527.